The following is an entry in ClinVar:

ClinVar aggregate classification (germline): Likely pathogenic (1 of 4 stars; one submission).

Submission:

Labcorp Genetics (formerly Invitae), Labcorp
Classification: Likely pathogenic. Last evaluated: 2024-02-14. Review status: criteria provided, single submitter. Criteria: Invitae Variant Classification Sherloc (09022015). Collection method: clinical testing. Allele origin: germline.
Comment: This sequence change affects an acceptor splice site in intron 6 of the PHYH gene. It is expected to disrupt RNA splicing. Variants that disrupt the donor or acceptor splice site typically lead to a loss of protein function (PMID: 16199547), and loss-of-function variants in PHYH are known to be pathogenic (PMID: 9326940, 14974078). This variant is not present in population databases (gnomAD no frequency). This variant has not been reported in the literature in individuals affected with PHYH-related conditions. Algorithms developed to predict the effect of sequence changes on RNA splicing suggest that this variant may disrupt the consensus splice site. In summary, the currently available evidence indicates that the variant is pathogenic, but additional data are needed to prove that conclusively. Therefore, this variant has been classified as Likely Pathogenic.

Literature cited by the submitters: PubMed 16199547; PubMed 9326940; PubMed 14974078.

NM_006214.4(PHYH):c.679-2A>T

Gene: PHYH (phytanoyl-CoA 2-hydroxylase; minus strand). Cytogenetic location: 10p13.
Variant type: single nucleotide variant.
Coding change: c.679-2A>T on transcript NM_006214.4 (MANE Select); the canonical splice acceptor site of the intron before coding-DNA position 679, A replaced by T.
Molecular consequence: splice acceptor variant.
Genome position (GRCh38, 1-based): chr10:13,283,841, T>A on the plus strand (A>T on the coding strand, the complement: PHYH is on the minus strand). VCF-style: chr10-13283841-T-A. GRCh37 (hg19) VCF-style: chr10-13325841-T-A.
Other names: c.415-2A>T (NM_001323083.2); c.685-2A>T (NM_001323082.2); c.379-2A>T (NM_001037537.2, NM_001323080.2); c.385-2A>T (NM_001323084.2).
Identifiers: ClinVar variation 3621090 (VCV003621090.2).